The following is an entry in ClinVar:

ClinVar aggregate classification (germline): Uncertain significance (1 of 4 stars; one submission).

Conditions:
Inborn genetic diseases. Identifiers: MedGen C0950123, MeSH D030342.

gnomAD v4.1: 1 of 1,614,084 alleles (0.000062%); highest among the groups gnomAD compares: Non-Finnish European, 0.000085%; no homozygotes.

Submission:

Ambry Genetics
Classification: Uncertain significance for Inborn genetic diseases. Last evaluated: 2025-05-05. Review status: criteria provided, single submitter. Criteria: Ambry Variant Classification Scheme 2023. Collection method: clinical testing. Allele origin: germline.
Comment: The p.E134A variant (also known as c.401A>C), located in coding exon 3 of the ANKRD26 gene, results from an A to C substitution at nucleotide position 401. The glutamic acid at codon 134 is replaced by alanine, an amino acid with dissimilar properties. This amino acid position is conserved. In addition, this alteration is predicted to be tolerated by in silico analysis. Based on the available evidence, the clinical significance of this variant remains unclear.

NM_014915.3(ANKRD26):c.401A>C (p.Glu134Ala)

Gene: ANKRD26 (ankyrin repeat domain containing 26; minus strand). Cytogenetic location: 10p12.1.
Variant type: single nucleotide variant.
Coding change: c.401A>C on transcript NM_014915.3 (MANE Select); coding-DNA position 401, A replaced by C.
Protein change: p.Glu134Ala; replaces glutamic acid 134 with alanine.
Molecular consequence: missense variant.
Genome position (GRCh38, 1-based): chr10:27,093,479, T>G on the plus strand (A>C on the coding strand, the complement: ANKRD26 is on the minus strand). VCF-style: chr10-27093479-T-G. GRCh37 (hg19) VCF-style: chr10-27382408-T-G.
Other names: c.401A>C, p.Glu134Ala (NM_001256053.2); short protein forms E134A.
Identifiers: ClinVar variation 3914182 (VCV003914182.1).